The following is an entry in ClinVar:

ClinVar aggregate classification (germline): Uncertain significance (1 of 4 stars; one submission).

Conditions:
Naxos disease (NXD). Also called: CARDIOMYOPATHY, ARRHYTHMOGENIC RIGHT VENTRICULAR, WITH SKIN, HAIR, AND NAIL ABNORMALITIES; PALMOPLANTAR KERATODERMA WITH ARRHYTHMOGENIC RIGHT VENTRICULAR CARDIOMYOPATHY AND WOOLLY HAIR; WOOLLY HAIR, PALMOPLANTAR KERATODERMA, AND CARDIAC ABNORMALITIES; KERATOSIS PALMOPLANTARIS WITH ARRHYTHMOGENIC CARDIOMYOPATHY; MAL DE NAXOS. Identifiers: Orphanet 34217, MedGen C1832600, MONDO:0011017, OMIM 601214.
Arrhythmogenic right ventricular dysplasia 12. Also called: ARRHYTHMOGENIC RIGHT VENTRICULAR DYSPLASIA, FAMILIAL, 12. Identifiers: MedGen C1969081, MONDO:0012684, OMIM 611528.

Submission:

Labcorp Genetics (formerly Invitae), Labcorp
Classification: Uncertain significance for Arrhythmogenic right ventricular dysplasia 12; Naxos disease. Last evaluated: 2022-09-13. Review status: criteria provided, single submitter. Criteria: Invitae Variant Classification Sherloc (09022015). Collection method: clinical testing. Allele origin: germline.
Comment: This variant has not been reported in the literature in individuals affected with JUP-related conditions. The frequency data for this variant in the population databases is considered unreliable, as metrics indicate poor data quality at this position in the gnomAD database. This sequence change falls in intron 2 of the JUP gene. It does not directly change the encoded amino acid sequence of the JUP protein. It affects a nucleotide within the consensus splice site. ClinVar contains an entry for this variant (Variation ID: 957876). In summary, the available evidence is currently insufficient to determine the role of this variant in disease. Therefore, it has been classified as a Variant of Uncertain Significance. Variants that disrupt the consensus splice site are a relatively common cause of aberrant splicing (PMID: 17576681, 9536098). Algorithms developed to predict the effect of sequence changes on RNA splicing suggest that this variant is not likely to affect RNA splicing.

Literature cited by the submitters: PubMed 17576681; PubMed 9536098.

NM_002230.4(JUP):c.209-3del

Gene: JUP (junction plakoglobin; minus strand). Cytogenetic location: 17q21.2.
Variant type: Deletion.
Coding change: c.209-3del on transcript NM_002230.4 (MANE Select); 3 bases into the intron before coding-DNA position 209, one base deleted (C; older notation c.209-3delC).
Molecular consequence: intron variant.
Genome position (GRCh38, 1-based): chr17:41,769,680, G deleted on the plus strand (C on the coding strand, the reverse complement: JUP is on the minus strand); the first of 5 consecutive G bases (chr17:41,769,680-41,769,684); deleting any one gives the same sequence. VCF-style (leftmost placement, unchanged base first): chr17-41769679-TG-T. GRCh37 (hg19) VCF-style: chr17-39925931-TG-T.
Other names: c.209-3del (NM_001352774.2, NM_021991.4, NM_001352776.2 and 3 more transcripts).
Identifiers: ClinVar variation 957876 (VCV000957876.9), dbSNP rs560947371, ClinGen allele CA290700953.